The following is an entry in ClinVar:

NM_000466.3(PEX1):c.2822_2823del (p.Glu941fs)

Genes: GATAD1 (GATA zinc finger domain containing 1; plus strand), PEX1 (peroxisomal biogenesis factor 1; minus strand). Cytogenetic location: 7q21.2.
Variant type: Deletion.
Coding change: c.2822_2823del on transcript NM_000466.3 (MANE Select); coding-DNA positions 2822 to 2823, 2 bases deleted (AA; older notation c.2822_2823delAA).
Protein change: p.Glu941fs; shifts the reading frame from glutamic acid 941.
Molecular consequence: frameshift variant.
Genome position (GRCh38, 1-based): chr7:92,494,590-92,494,591, TT deleted on the plus strand (AA on the coding strand, the reverse complement: PEX1 is on the minus strand). VCF-style (leftmost placement, unchanged base first): chr7-92494589-ATT-A. GRCh37 (hg19) VCF-style: chr7-92123903-ATT-A.
Other names: c.2651_2652del, p.Glu884fs (NM_001282677.2); c.2198_2199del, p.Glu733fs (NM_001282678.2); short protein forms E733fs, E884fs, E941fs.
Identifiers: ClinVar variation 1696138 (VCV001696138.1), dbSNP rs2116095487, ClinGen allele CA2580077515.

ClinVar aggregate classification (germline): Likely pathogenic (1 of 4 stars; one submission).

Conditions:
Peroxisome biogenesis disorder. Identifiers: Orphanet 79189, MedGen C1832200, MONDO:0019234. Disease mechanism: loss of function.

Submission:

Women's Health and Genetics/Laboratory Corporation of America, LabCorp
Classification: Likely pathogenic for Peroxisome biogenesis disorder. Last evaluated: 2022-05-12. Review status: criteria provided, single submitter. Criteria: LabCorp Variant Classification Summary - May 2015. Collection method: clinical testing. Allele origin: germline.
Comment: Variant summary: PEX1 c.2822_2823delAA (p.Glu941ValfsX2) results in a premature termination codon, predicted to cause a truncation of the encoded protein or absence of the protein due to nonsense mediated decay, which are commonly known mechanisms for disease. Truncations downstream of this position have been classified as pathogenic by our laboratory. The variant was absent in 251226 control chromosomes. To our knowledge, no occurrence of c.2822_2823delAA in individuals affected with Zellweger Syndrome and no experimental evidence demonstrating its impact on protein function have been reported. No clinical diagnostic laboratories have submitted clinical-significance assessments for this variant to ClinVar after 2014. Based on the evidence outlined above, the variant was classified as likely pathogenic.